The following is an entry in ClinVar:

ClinVar aggregate classification (germline): Uncertain significance (1 of 4 stars; one submission).

Conditions:
Anterior segment dysgenesis. Also called: Ocular anterior segment dysgenesis. Identifiers: Orphanet 88632, MedGen C1862839, MONDO:0019503, HP:0007700.
Congenital primary aphakia. Also called: Anterior segment dysgenesis 2, multiple subtypes; ANTERIOR SEGMENT DYSGENESIS 2. Identifiers: Orphanet 83461, MedGen C1853230, MONDO:0012456, OMIM 610256.

gnomAD v4.1: 3 of 1,606,604 alleles (0.00019%); highest among the groups gnomAD compares: Non-Finnish European, 0.00025%; no homozygotes.

Submission:

Labcorp Genetics (formerly Invitae), Labcorp
Classification: Uncertain significance for Anterior segment dysgenesis; Congenital primary aphakia. Last evaluated: 2025-03-22. Review status: criteria provided, single submitter. Criteria: Invitae Variant Classification Sherloc (09022015). Collection method: clinical testing. Allele origin: germline.
Comment: This sequence change replaces arginine, which is basic and polar, with glycine, which is neutral and non-polar, at codon 90 of the FOXE3 protein (p.Arg90Gly). This variant is present in population databases (no rsID available, gnomAD 0.01%). This variant has not been reported in the literature in individuals affected with FOXE3-related conditions. Invitae Evidence Modeling of protein sequence and biophysical properties (such as structural, functional, and spatial information, amino acid conservation, physicochemical variation, residue mobility, and thermodynamic stability) has been performed for this missense variant. However, the output from this modeling did not meet the statistical confidence thresholds required to predict the impact of this variant on FOXE3 protein function. In summary, the available evidence is currently insufficient to determine the role of this variant in disease. Therefore, it has been classified as a Variant of Uncertain Significance.

NM_012186.3(FOXE3):c.268C>G (p.Arg90Gly)

Genes: FOXE3 (forkhead box E3; plus strand), LINC01389 (long independently transcribed non-coding RNA 1389; minus strand). Cytogenetic location: 1p33.
Variant type: single nucleotide variant.
Coding change: c.268C>G on transcript NM_012186.3 (MANE Select); coding-DNA position 268, C replaced by G.
Protein change: p.Arg90Gly; replaces arginine 90 with glycine.
Molecular consequence: missense variant.
Genome position (GRCh38, 1-based): chr1:47,416,583, C>G. VCF-style: chr1-47416583-C-G. GRCh37 (hg19) VCF-style: chr1-47882255-C-G.
Other names: short protein forms R90G.
Identifiers: ClinVar variation 4783416 (VCV004783416.1).